The following is an entry in ClinVar:

ClinVar aggregate classification (germline): Uncertain significance. Review status: criteria provided, multiple submitters, no conflicts (2 of 4 stars). 2 submissions from 2 submitters: Uncertain significance (2). Last evaluated 2025-07-27.

Submissions (2):

Labcorp Genetics (formerly Invitae), Labcorp
Classification: Uncertain significance. Last evaluated: 2025-07-27. Review status: criteria provided, single submitter. Criteria: Invitae Variant Classification Sherloc (09022015). Collection method: clinical testing. Allele origin: germline.
Comment: This sequence change replaces aspartic acid, which is acidic and polar, with asparagine, which is neutral and polar, at codon 230 of the CA4 protein (p.Asp230Asn). This variant is present in population databases (rs752951171, gnomAD 0.003%). This variant has not been reported in the literature in individuals affected with CA4-related conditions. Invitae Evidence Modeling of protein sequence and biophysical properties (such as structural, functional, and spatial information, amino acid conservation, physicochemical variation, residue mobility, and thermodynamic stability) indicates that this missense variant is not expected to disrupt CA4 protein function with a negative predictive value of 80%. In summary, the available evidence is currently insufficient to determine the role of this variant in disease. Therefore, it has been classified as a Variant of Uncertain Significance.

Blueprint Genetics
Classification: Uncertain significance. Last evaluated: 2021-08-20. Review status: criteria provided, single submitter. Criteria: ACMG Guidelines, 2015. Collection method: clinical testing. Allele origin: germline.

NM_000717.5(CA4):c.688G>A (p.Asp230Asn)

Gene: CA4 (carbonic anhydrase 4; plus strand). Cytogenetic location: 17q23.1.
Variant type: single nucleotide variant.
Coding change: c.688G>A on transcript NM_000717.5 (MANE Select); coding-DNA position 688, G replaced by A.
Protein change: p.Asp230Asn; replaces aspartic acid 230 with asparagine.
Molecular consequence: missense variant. On other transcripts: non-coding transcript variant (1).
Genome position (GRCh38, 1-based): chr17:60,158,390, G>A. VCF-style: chr17-60158390-G-A. GRCh37 (hg19) VCF-style: chr17-58235751-G-A.
Other names: short protein forms D230N.
Identifiers: ClinVar variation 4699987 (VCV004699987.2).